The following is an entry in ClinVar:

NM_006996.3(SLC19A2):c.903G>A (p.Trp301Ter)

Gene: SLC19A2 (solute carrier family 19 member 2; minus strand). Cytogenetic location: 1q24.2.
Variant type: single nucleotide variant.
Coding change: c.903G>A on transcript NM_006996.3 (MANE Select); coding-DNA position 903, G replaced by A.
Protein change: p.Trp301Ter; replaces tryptophan 301 with a stop codon.
Molecular consequence: nonsense.
Genome position (GRCh38, 1-based): chr1:169,470,091, C>T on the plus strand (G>A on the coding strand, the complement: SLC19A2 is on the minus strand). VCF-style: chr1-169470091-C-T. GRCh37 (hg19) VCF-style: chr1-169439329-C-T.
Other names: c.300G>A, p.Trp100Ter (NM_001319667.1); short protein forms W100*, W301*.
Identifiers: ClinVar variation 2796384 (VCV002796384.3), dbSNP rs2526240098, ClinGen allele CA343132064.

ClinVar aggregate classification (germline): Pathogenic (1 of 4 stars; one submission).

Submission:

Labcorp Genetics (formerly Invitae), Labcorp
Classification: Pathogenic. Last evaluated: 2024-02-23. Review status: criteria provided, single submitter. Criteria: Invitae Variant Classification Sherloc (09022015). Collection method: clinical testing. Allele origin: germline.
Comment: This sequence change creates a premature translational stop signal (p.Trp301*) in the SLC19A2 gene. It is expected to result in an absent or disrupted protein product. Loss-of-function variants in SLC19A2 are known to be pathogenic (PMID: 10391221, 10391223, 10874303). This variant is not present in population databases (gnomAD no frequency). This variant has not been reported in the literature in individuals affected with SLC19A2-related conditions. For these reasons, this variant has been classified as Pathogenic.

Literature cited by the submitters: PubMed 10391221; PubMed 10391223; PubMed 10874303.